The following is an entry in ClinVar:

ClinVar aggregate classification (germline): Pathogenic (1 of 4 stars; one submission).

Submission:

ISCA Site 6
Classification: Pathogenic. Last evaluated: 2011-08-12. Review status: criteria provided, single submitter. Criteria: Kaminsky et al. (Genet Med. 2011). Collection method: clinical testing. Allele origin: unknown. Affected: yes. Observed: 1 variant allele.
Comment: Copy number variation identified through the course of routine clinical cytogenomic testing in postnatal populations. Clinical assertions have been curated as described in Kaminsky et al. 2011.

GRCh38/hg38 6q26-27(chr6:162789915-170602152)x1

Genes: AFDN (afadin, adherens junction formation factor; plus strand), AFDN-DT (AFDN divergent transcript; minus strand), C6orf118 (chromosome 6 open reading frame 118; minus strand), C6orf120 (chromosome 6 open reading frame 120; plus strand), CAHM (colon adenocarcinoma hypermethylated; minus strand) and 243 more. Cytogenetic location: 6q26-27.
Variant type: copy number loss.
Change: copy number 1 (one copy instead of two) of chr6:162,789,915-170,602,152 (7.81 Mb, GRCh38 coordinates, 1-based), cytogenetic band 6q26-27.
Identifiers: ClinVar variation 58469 (VCV000058469.2).